The following is an entry in ClinVar:

ClinVar aggregate classification (germline): Uncertain significance (1 of 4 stars; one submission).

Submission:

Labcorp Genetics (formerly Invitae), Labcorp
Classification: Uncertain significance. Last evaluated: 2021-04-23. Review status: criteria provided, single submitter. Criteria: Invitae Variant Classification Sherloc (09022015). Collection method: clinical testing. Allele origin: germline.
Comment: In summary, the available evidence is currently insufficient to determine the role of this variant in disease. Therefore, it has been classified as a Variant of Uncertain Significance. Advanced modeling of protein sequence and biophysical properties (such as structural, functional, and spatial information, amino acid conservation, physicochemical variation, residue mobility, and thermodynamic stability) performed at Invitae indicates that this missense variant is not expected to disrupt MYO7A protein function. This variant has not been reported in the literature in individuals with MYO7A-related conditions. This variant is not present in population databases (ExAC no frequency). This sequence change replaces serine with glycine at codon 372 of the MYO7A protein (p.Ser372Gly). The serine residue is moderately conserved and there is a small physicochemical difference between serine and glycine.

NM_000260.4(MYO7A):c.1114A>G (p.Ser372Gly)

Gene: MYO7A (myosin VIIA; plus strand). Cytogenetic location: 11q13.5.
Variant type: single nucleotide variant.
Coding change: c.1114A>G on transcript NM_000260.4 (MANE Select); coding-DNA position 1114, A replaced by G.
Protein change: p.Ser372Gly; replaces serine 372 with glycine.
Molecular consequence: missense variant.
Genome position (GRCh38, 1-based): chr11:77,160,196, A>G. VCF-style: chr11-77160196-A-G. GRCh37 (hg19) VCF-style: chr11-76871242-A-G.
Other names: c.1114A>G, p.Ser372Gly (NM_001127180.2); c.1081A>G, p.Ser361Gly (NM_001369365.1); short protein forms S372G, S361G.
Identifiers: ClinVar variation 1485498 (VCV001485498.8), dbSNP rs2135277776, ClinGen allele CA381934351.